The following is an entry in ClinVar:

NM_001848.3(COL6A1):c.98-214C>T

Gene: COL6A1 (collagen type VI alpha 1 chain; plus strand). Cytogenetic location: 21q22.3.
Variant type: single nucleotide variant.
Coding change: c.98-214C>T on transcript NM_001848.3 (MANE Select); 214 bases into the intron before coding-DNA position 98, C replaced by T.
Molecular consequence: intron variant.
Genome position (GRCh38, 1-based): chr21:45,982,420, C>T. VCF-style: chr21-45982420-C-T. GRCh37 (hg19) VCF-style: chr21-47402334-C-T.
Identifiers: ClinVar variation 670481 (VCV000670481.1), dbSNP rs62215496, ClinGen allele CA14888027.

ClinVar aggregate classification (germline): Benign (1 of 4 stars; one submission).

Allele frequency attached by ClinVar (database versions not stated): TOPMed 0.13027; 1000 Genomes Project 30x 0.13117; 1000 Genomes Project 0.13458; gnomAD 0.13611 and 0.13850.

Submission:

GeneDx
Classification: Benign. Last evaluated: 2018-06-14. Review status: criteria provided, single submitter. Criteria: GeneDx Variant Classification (06012015). Collection method: clinical testing. Allele origin: germline. Affected: yes.
Comment: This variant is considered likely benign or benign based on one or more of the following criteria: it is a conservative change, it occurs at a poorly conserved position in the protein, it is predicted to be benign by multiple in silico algorithms, and/or has population frequency not consistent with disease.